The following is an entry in ClinVar:

NM_004415.4(DSP):c.5510A>G (p.Asn1837Ser)

Gene: DSP (desmoplakin; plus strand). Cytogenetic location: 6p24.3.
Variant type: single nucleotide variant.
Coding change: c.5510A>G on transcript NM_004415.4 (MANE Select); coding-DNA position 5510, A replaced by G.
Protein change: p.Asn1837Ser; replaces asparagine 1837 with serine.
Molecular consequence: missense variant.
Genome position (GRCh38, 1-based): chr6:7,582,772, A>G. VCF-style: chr6-7582772-A-G. GRCh37 (hg19) VCF-style: chr6-7583005-A-G.
Other names: c.3713A>G, p.Asn1238Ser (NM_001008844.3); c.4181A>G, p.Asn1394Ser (NM_001319034.2); short protein forms N1238S, N1394S, N1837S.
Identifiers: ClinVar variation 1344556 (VCV001344556.2), dbSNP rs2113698012, ClinGen allele CA362688785.
Genomic context (GRCh38, chr6:7,582,772, plus strand): 5'-TGAAAATCAAAGTCCTGGAGCAAGACAAGGCAAGGCTGCAGAGGCTGGAGGATGAGCTGA[A>G]TCGTGCAAAATCAACTCTAGAGGCAGAAACCAGGGTGAAACAGCGCCTGGAGTGTGAGAA-3'
Protein context (NP_004406.2, residues 1827-1847): ARLQRLEDEL[Asn1837Ser]RAKSTLEAET

Allele frequency attached by ClinVar (database versions not stated): gnomAD exomes below 0.00001.
gnomAD v4.1: 3 of 1,614,000 alleles (0.00019%); highest among the groups gnomAD compares: South Asian, 0.0022%; no homozygotes.

Submission:

Human Development and Health, University of Southampton
No classification provided (evidence only). Review status: no classification provided. Collection method: in vitro. Allele origin: not applicable. Functional consequence: functionally_normal.
ClinVar note: "not provided" was previously submitted as the classification for the variant. However, the classification appeared to be based only on an observation of functional data so it was converted to no classification on 2025-07-30.